The following is an entry in ClinVar:

ClinVar aggregate classification (germline): Benign. Review status: criteria provided, multiple submitters, no conflicts (2 of 4 stars). 5 submissions from 5 submitters: Benign (2). 3 of the submissions do not count toward it. Last evaluated 2026-01-26.

Conditions:
SORL1-related disorder. Also called: SORL1-related condition.

Allele frequency attached by ClinVar (database versions not stated): 1000 Genomes Project 0.00978; TOPMed 0.01433; ESP Exome Variant Server 0.01723; gnomAD exomes 0.01993 and 0.01791; gnomAD 0.01503 and 0.01506; 1000 Genomes Project 30x 0.00874; ExAC 0.01866.
gnomAD v4.1: 31,207 of 1,604,810 alleles (1.9%); highest among the groups gnomAD compares: Middle Eastern, 3.5%; 371 homozygotes.

Submissions (5):

Labcorp Genetics (formerly Invitae), Labcorp
Classification: Benign. Last evaluated: 2026-01-26. Review status: criteria provided, single submitter. Criteria: Invitae Variant Classification Sherloc (09022015). Collection method: clinical testing. Allele origin: germline.

Breakthrough Genomics
Classification: Benign. Review status: criteria provided, single submitter. Criteria: ACMG Guidelines, 2015. Collection method: not provided. Allele origin: germline. Inheritance: Unknown mechanism. Affected: yes.

PreventionGenetics, part of Exact Sciences
Classification: Benign for SORL1-related condition. Last evaluated: 2019-03-29. Review status: no assertion criteria provided. Collection method: clinical testing. Allele origin: germline. Not counted in ClinVar's aggregate classification.
Comment: This variant is classified as benign based on ACMG/AMP sequence variant interpretation guidelines (Richards et al. 2015 PMID: 25741868, with internal and published modifications).

Clinical Genetics DNA and cytogenetics Diagnostics Lab, Erasmus MC, Erasmus Medical Center
Classification: Benign. Review status: no assertion criteria provided. Collection method: clinical testing. Allele origin: germline. Affected: yes. Study: VKGL Data-share Consensus. Not counted in ClinVar's aggregate classification.

Genome Diagnostics Laboratory, Amsterdam University Medical Center
Classification: Benign. Review status: no assertion criteria provided. Collection method: clinical testing. Allele origin: germline. Affected: yes. Study: VKGL Data-share Consensus. Not counted in ClinVar's aggregate classification.

NM_003105.6(SORL1):c.3814+10T>G

Gene: SORL1 (sortilin related receptor 1; plus strand). Cytogenetic location: 11q24.1.
Variant type: single nucleotide variant.
Coding change: c.3814+10T>G on transcript NM_003105.6 (MANE Select); 10 bases into the intron after coding-DNA position 3814, T replaced by G.
Molecular consequence: intron variant.
Genome position (GRCh38, 1-based): chr11:121,586,339, T>G. VCF-style: chr11-121586339-T-G. GRCh37 (hg19) VCF-style: chr11-121457048-T-G.
Other names: c.3814+10T>G (NM_003105.5).
Identifiers: ClinVar variation 1210037 (VCV001210037.13), dbSNP rs146197030, ClinGen allele CA6329408.
Genomic context (GRCh38, chr11:121,586,339, plus strand): 5'-ATTGTGATGGTCTGCGTGATTGCTCTGATGGCTCCGATGAACAGCACTGCGGTGAGTTCA[T>G]TCCTTGCCCCCAGGAAGCACTCAGGCCTAGTGATTATGAGTGAAGAGCGTATATTGGACT-3'